The following is an entry in ClinVar:

ClinVar aggregate classification (germline): Uncertain significance (1 of 4 stars; one submission).

Conditions:
Developmental and epileptic encephalopathy, 27 (DEE27). Also called: GRIN2B-Related Neurodevelopmental Disorder; Epileptic encephalopathy, early infantile, 27. Identifiers: Orphanet 3451, MedGen C4015316, MONDO:0014505, OMIM 616139.
Intellectual developmental disorder, autosomal dominant 6, with or without seizures. Also called: Intellectual disability, autosomal dominant 6; GRIN2B-related developmental delay, intellectual disability and autism spectrum disorder. Identifiers: Orphanet 589547, MedGen C3151411, MONDO:0013509, OMIM 613970.

Submission:

Labcorp Genetics (formerly Invitae), Labcorp
Classification: Uncertain significance for Developmental and epileptic encephalopathy, 27; Intellectual developmental disorder, autosomal dominant 6, with or without seizures. Last evaluated: 2024-10-04. Review status: criteria provided, single submitter. Criteria: Invitae Variant Classification Sherloc (09022015). Collection method: clinical testing. Allele origin: germline.
Comment: This sequence change replaces glutamic acid, which is acidic and polar, with glycine, which is neutral and non-polar, at codon 518 of the GRIN2B protein (p.Glu518Gly). This variant is not present in population databases (gnomAD no frequency). This variant has not been reported in the literature in individuals affected with GRIN2B-related conditions. ClinVar contains an entry for this variant (Variation ID: 2086423). Invitae Evidence Modeling of protein sequence and biophysical properties (such as structural, functional, and spatial information, amino acid conservation, physicochemical variation, residue mobility, and thermodynamic stability) indicates that this missense variant is expected to disrupt GRIN2B protein function with a positive predictive value of 95%. In summary, the available evidence is currently insufficient to determine the role of this variant in disease. Therefore, it has been classified as a Variant of Uncertain Significance.

NM_000834.5(GRIN2B):c.1553A>G (p.Glu518Gly)

Gene: GRIN2B (glutamate ionotropic receptor NMDA type subunit 2B; minus strand). Cytogenetic location: 12p13.1.
Variant type: single nucleotide variant.
Coding change: c.1553A>G on transcript NM_000834.5 (MANE Select); coding-DNA position 1553, A replaced by G.
Protein change: p.Glu518Gly; replaces glutamic acid 518 with glycine.
Molecular consequence: missense variant.
Genome position (GRCh38, 1-based): chr12:13,615,215, T>C on the plus strand (A>G on the coding strand, the complement: GRIN2B is on the minus strand). VCF-style: chr12-13615215-T-C. GRCh37 (hg19) VCF-style: chr12-13768149-T-C.
Other names: c.1553A>G, p.Glu518Gly (NM_001413992.1); short protein forms E518G.
Identifiers: ClinVar variation 2086423 (VCV002086423.4), dbSNP rs2497598153, ClinGen allele CA384051890.